The following is an entry in ClinVar:

ClinVar aggregate classification (germline): Uncertain significance (1 of 4 stars; one submission).

Conditions:
Cardiovascular phenotype. Identifiers: MedGen CN230736.

gnomAD v4.1: 3 of 1,613,772 alleles (0.00019%); highest among the groups gnomAD compares: African/African-American, 0.0013%; no homozygotes.

Submission:

Ambry Genetics
Classification: Uncertain significance for Cardiovascular phenotype. Last evaluated: 2025-10-05. Review status: criteria provided, single submitter. Criteria: Ambry Variant Classification Scheme 2023. Collection method: clinical testing. Allele origin: germline.
Comment: The p.P1395T variant (also known as c.4183C>A), located in coding exon 10 of the TNXB gene, results from a C to A substitution at nucleotide position 4183. The proline at codon 1395 is replaced by threonine, an amino acid with highly similar properties. This amino acid position is conserved. In addition, this alteration is predicted to be tolerated by in silico analysis. Based on the available evidence, the clinical significance of this variant remains unclear.

NM_001365276.2(TNXB):c.4183C>A (p.Pro1395Thr)

Gene: TNXB (tenascin XB; minus strand). Cytogenetic location: 6p21.33.
Variant type: single nucleotide variant.
Coding change: c.4183C>A on transcript NM_001365276.2 (MANE Select); coding-DNA position 4183, C replaced by A.
Protein change: p.Pro1395Thr; replaces proline 1395 with threonine.
Molecular consequence: missense variant.
Genome position (GRCh38, 1-based): chr6:32,079,225, G>T on the plus strand (C>A on the coding strand, the complement: TNXB is on the minus strand). VCF-style: chr6-32079225-G-T. GRCh37 (hg19) VCF-style: chr6-32047002-G-T.
Other names: c.4924C>A, p.Pro1642Thr (NM_001428335.1); c.4183C>A, p.Pro1395Thr (NM_019105.8); short protein forms P1642T, P1395T.
Identifiers: ClinVar variation 4615145 (VCV004615145.1).